The following is an entry in ClinVar:

NM_030943.4(AMN):c.1310G>A (p.Ser437Asn)

Gene: AMN (amnion associated transmembrane protein; plus strand). Cytogenetic location: 14q32.32.
Variant type: single nucleotide variant.
Coding change: c.1310G>A on transcript NM_030943.4 (MANE Select); coding-DNA position 1310, G replaced by A.
Protein change: p.Ser437Asn; replaces serine 437 with asparagine.
Molecular consequence: missense variant.
Genome position (GRCh38, 1-based): chr14:102,930,628, G>A. VCF-style: chr14-102930628-G-A. GRCh37 (hg19) VCF-style: chr14-103396965-G-A.
Other names: c.1148G>A, p.Ser383Asn (NM_001425246.1); short protein forms S383N, S437N.
Identifiers: ClinVar variation 2888858 (VCV002888858.5), dbSNP rs1190667294, ClinGen allele CA391084433.

ClinVar aggregate classification (germline): Uncertain significance. Review status: criteria provided, multiple submitters, no conflicts (2 of 4 stars). 3 submissions from 3 submitters: Uncertain significance (3). Last evaluated 2024-10-29.

Conditions:
Inborn genetic diseases. Identifiers: MedGen C0950123, MeSH D030342.
Imerslund-Grasbeck syndrome type 2. Also called: Megaloblastic anemia 1, Norwegian type; MEGALOBLASTIC ANEMIA, NORWEGIAN TYPE; Imerslund-Gräsbeck syndrome 2. Identifiers: MedGen C4016948, MONDO:0100157, OMIM 618882.
Imerslund-Grasbeck syndrome. Also called: Imerslund-Gräsbeck syndrome; Megaloblastic anemia due to inborn errors of metabolism; ENTEROCYTE COBALAMIN MALABSORPTION; ENTEROCYTE INTRINSIC FACTOR RECEPTOR, DEFECT OF; PERNICIOUS ANEMIA, JUVENILE, DUE TO SELECTIVE INTESTINAL MALABSORPTION OF VITAMIN B12, WITH PROTEINURIA. Identifiers: Orphanet 35858, MedGen C4551825, MONDO:0009853.

Allele frequency attached by ClinVar (database versions not stated): gnomAD exomes below 0.00001; gnomAD 0.00001; TOPMed 0.00001.
gnomAD v4.1: 6 of 1,601,038 alleles (0.00037%); highest among the groups gnomAD compares: Admixed American, 0.0017%; no homozygotes.

Submissions (3):

Ambry Genetics
Classification: Uncertain significance for Inborn genetic diseases. Last evaluated: 2024-10-29. Review status: criteria provided, single submitter. Criteria: Ambry Variant Classification Scheme 2023. Collection method: clinical testing. Allele origin: germline.

Fulgent Genetics
Classification: Uncertain significance for Imerslund-Grasbeck syndrome type 2. Last evaluated: 2024-03-30. Review status: criteria provided, single submitter. Criteria: ACMG Guidelines, 2015. Collection method: clinical testing. Allele origin: germline.

Labcorp Genetics (formerly Invitae), Labcorp
Classification: Uncertain significance for Imerslund-Grasbeck syndrome. Last evaluated: 2024-01-21. Review status: criteria provided, single submitter. Criteria: Invitae Variant Classification Sherloc (09022015). Collection method: clinical testing. Allele origin: germline.
Comment: This sequence change replaces serine, which is neutral and polar, with asparagine, which is neutral and polar, at codon 437 of the AMN protein (p.Ser437Asn). This variant is not present in population databases (gnomAD no frequency). This variant has not been reported in the literature in individuals affected with AMN-related conditions. Advanced modeling of protein sequence and biophysical properties (such as structural, functional, and spatial information, amino acid conservation, physicochemical variation, residue mobility, and thermodynamic stability) performed at Invitae indicates that this missense variant is not expected to disrupt AMN protein function with a negative predictive value of 80%. In summary, the available evidence is currently insufficient to determine the role of this variant in disease. Therefore, it has been classified as a Variant of Uncertain Significance.